The following is an entry in ClinVar:

NM_152383.5(DIS3L2):c.2113C>T (p.Arg705Cys)

Gene: DIS3L2 (DIS3 like 3'-5' exoribonuclease 2; plus strand). Cytogenetic location: 2q37.1.
Variant type: single nucleotide variant.
Coding change: c.2113C>T on transcript NM_152383.5 (MANE Select); coding-DNA position 2113, C replaced by T.
Protein change: p.Arg705Cys; replaces arginine 705 with cysteine.
Molecular consequence: missense variant. On other transcripts: non-coding transcript variant (2), intron variant (1).
Genome position (GRCh38, 1-based): chr2:232,333,942, C>T. VCF-style: chr2-232333942-C-T. GRCh37 (hg19) VCF-style: chr2-233198652-C-T.
Other names: c.1582-9403C>T (NM_001257281.2); short protein forms R705C.
Identifiers: ClinVar variation 1462141 (VCV001462141.8), dbSNP rs2106353608, ClinGen allele CA350977505.
Genomic context (GRCh38, chr2:232,333,942, plus strand): 5'-CAGTTCCGGCACTACGCGCTCAATGTGCCCCTGTACACACACTTCACCTCGCCCATCCGC[C>T]GCTTTGCCGACGTCCTGGTGCACCGCCTCCTGGCTGCCGCGTTAGGTGAGGGGTGCAGTC-3'
Protein context (NP_689596.4, residues 695-715): LYTHFTSPIR[Arg705Cys]FADVLVHRLL

ClinVar aggregate classification (germline): Uncertain significance (1 of 4 stars; one submission).

Conditions:
Perlman syndrome (PRLMNS). Identifiers: Orphanet 2849, MedGen C0796113, MONDO:0009965, OMIM 267000.

Submission:

Labcorp Genetics (formerly Invitae), Labcorp
Classification: Uncertain significance for Perlman syndrome. Last evaluated: 2021-04-02. Review status: criteria provided, single submitter. Criteria: Invitae Variant Classification Sherloc (09022015). Collection method: clinical testing. Allele origin: germline.
Comment: In summary, the available evidence is currently insufficient to determine the role of this variant in disease. Therefore, it has been classified as a Variant of Uncertain Significance. Algorithms developed to predict the effect of missense changes on protein structure and function (SIFT, PolyPhen-2, Align-GVGD) all suggest that this variant is likely to be disruptive, but these predictions have not been confirmed by published functional studies and their clinical significance is uncertain. This variant has not been reported in the literature in individuals with DIS3L2-related conditions. This variant is not present in population databases (ExAC no frequency). This sequence change replaces arginine with cysteine at codon 705 of the DIS3L2 protein (p.Arg705Cys). The arginine residue is highly conserved and there is a large physicochemical difference between arginine and cysteine.